The following is an entry in ClinVar:

NM_001130144.3(LTBP3):c.1622-10C>A

Gene: LTBP3 (latent transforming growth factor beta binding protein 3; minus strand). Cytogenetic location: 11q13.1.
Variant type: single nucleotide variant.
Coding change: c.1622-10C>A on transcript NM_001130144.3 (MANE Select); 10 bases into the intron before coding-DNA position 1622, C replaced by A.
Molecular consequence: intron variant.
Genome position (GRCh38, 1-based): chr11:65,551,234, G>T on the plus strand (C>A on the coding strand, the complement: LTBP3 is on the minus strand). VCF-style: chr11-65551234-G-T. GRCh37 (hg19) VCF-style: chr11-65318705-G-T.
Other names: c.1271-10C>A (NM_001164266.1); c.1622-10C>A (NM_021070.4, NM_001130144.2).
Identifiers: ClinVar variation 1424094 (VCV001424094.9), dbSNP rs771664405, ClinGen allele CA6100907.

ClinVar aggregate classification (germline): Likely benign. Review status: criteria provided, multiple submitters, no conflicts (2 of 4 stars). 2 submissions from 2 submitters: Likely benign (2). Last evaluated 2026-01-05.

Conditions:
Brachyolmia-amelogenesis imperfecta syndrome. Also called: PLATYSPONDYLY WITH AMELOGENESIS IMPERFECTA; Tooth agenesis, selective, 6; Dental anomalies and short stature. Identifiers: Orphanet 2899, MedGen C1832594, MONDO:0011018, OMIM 601216. Disease mechanism: loss of function.
LTBP3-related disorder. Also called: LTBP3-related condition.

Allele frequency attached by ClinVar (database versions not stated): TOPMed 0.00002; gnomAD 0.00003; gnomAD exomes 0.00004 and 0.00007; ExAC 0.00005.
gnomAD v4.1: 101 of 1,543,864 alleles (0.0065%); highest among the groups gnomAD compares: Non-Finnish European, 0.0087%; no homozygotes.

Submissions (2):

Labcorp Genetics (formerly Invitae), Labcorp
Classification: Likely benign for Brachyolmia-amelogenesis imperfecta syndrome. Last evaluated: 2026-01-05. Review status: criteria provided, single submitter. Criteria: Invitae Variant Classification Sherloc (09022015). Collection method: clinical testing. Allele origin: germline.

PreventionGenetics, part of Exact Sciences
Classification: Likely benign for LTBP3-related condition. Last evaluated: 2025-04-08. Review status: criteria provided, single submitter. Criteria: ACMG Guidelines, 2015. Collection method: clinical testing. Allele origin: germline.
Comment: This variant is classified as likely benign based on ACMG/AMP sequence variant interpretation guidelines (Richards et al. 2015 PMID: 25741868, with internal and published modifications).